The following is an entry in ClinVar:

ClinVar aggregate classification (germline): other (0 of 4 stars; one submission).

Conditions:
Familial colorectal cancer. Identifiers: MedGen CN280943, MONDO:0023113. Disease mechanism: loss of function.

Submission:

Systems Biology Platform Zhejiang California International NanoSystems Institute
Classification: other for Familial colorectal cancer. Review status: no assertion criteria provided. Collection method: not provided. Allele origin: unknown.
ClinVar note: Converted during submission from cancer to other.

NM_001127511.3(APC):c.165+23937T>G

Gene: APC (APC regulator of Wnt signaling pathway; plus strand). Cytogenetic location: 5q22.2.
Variant type: single nucleotide variant.
Coding change: c.165+23937T>G on transcript NM_001127511.3; 23937 bases into the intron after coding-DNA position 165, T replaced by G.
Molecular consequence: intron variant.
Genome position (GRCh38, 1-based): chr5:112,731,819, T>G. VCF-style: chr5-112731819-T-G. GRCh37 (hg19) VCF-style: chr5-112067516-T-G.
Other names: c.-18-23054T>G (NM_001354895.2, NM_001407456.1, NM_001407460.1 and 7 more transcripts); c.165+23937T>G (NM_001407446.1, NM_001354897.2, NM_001354902.2); c.-43+24170T>G (NM_001407453.1); c.-1053-23054T>G (NM_001407470.1, NM_001407472.1).
Identifiers: ClinVar variation 82308 (VCV000082308.4), dbSNP rs74433109, ClinGen allele CA023565.